The following is an entry in ClinVar:

NM_004655.4(AXIN2):c.1533G>A (p.Thr511=)

Gene: AXIN2 (axin 2; minus strand). Cytogenetic location: 17q24.1.
Variant type: single nucleotide variant.
Coding change: c.1533G>A on transcript NM_004655.4 (MANE Select); coding-DNA position 1533, G replaced by A.
Protein change: p.Thr511=; no amino-acid change (threonine 511 retained).
Molecular consequence: synonymous variant.
Genome position (GRCh38, 1-based): chr17:65,537,503, C>T on the plus strand (G>A on the coding strand, the complement: AXIN2 is on the minus strand). VCF-style: chr17-65537503-C-T. GRCh37 (hg19) VCF-style: chr17-63533621-C-T.
Other names: c.1533G>A (LRG_296t1); c.1533G>A, p.Thr511= (NM_001363813.1).
Identifiers: ClinVar variation 533267 (VCV000533267.12), dbSNP rs765845602, ClinGen allele CA8718619.

ClinVar aggregate classification (germline): Benign/Likely benign. Review status: criteria provided, multiple submitters, no conflicts (2 of 4 stars). 3 submissions from 3 submitters: Benign (1); Likely benign (2). Last evaluated 2025-07-20.

Conditions:
Hereditary cancer-predisposing syndrome. Also called: Hereditary neoplastic syndrome; Neoplastic Syndromes, Hereditary; Tumor predisposition; Hereditary Cancer Syndrome. Identifiers: Orphanet 140162, MedGen C0027672, MeSH D009386, MONDO:0015356.
Oligodontia-cancer predisposition syndrome. Also called: TOOTH AGENESIS-COLORECTAL CANCER SYNDROME. Identifiers: Orphanet 300576, MedGen C1837750, MONDO:0012075, OMIM 608615. Disease mechanism: loss of function.

Allele frequency attached by ClinVar (database versions not stated): ExAC 0.00001; gnomAD exomes 0.00001; TOPMed 0.00001.
gnomAD v4.1: 1 of 1,613,758 alleles (0.000062%); highest among the groups gnomAD compares: East Asian, 0.0022%; no homozygotes.

Submissions (3):

Labcorp Genetics (formerly Invitae), Labcorp
Classification: Likely benign for Oligodontia-cancer predisposition syndrome. Last evaluated: 2025-07-20. Review status: criteria provided, single submitter. Criteria: Invitae Variant Classification Sherloc (09022015). Collection method: clinical testing. Allele origin: germline.

Ambry Genetics
Classification: Likely benign for Hereditary cancer-predisposing syndrome. Last evaluated: 2024-10-27. Review status: criteria provided, single submitter. Criteria: Ambry Variant Classification Scheme 2023. Collection method: clinical testing. Allele origin: germline.

Myriad Genetics, Inc.
Classification: Benign for Oligodontia-cancer predisposition syndrome. Last evaluated: 2024-07-03. Review status: criteria provided, single submitter. Criteria: Myriad Autosomal Dominant, Autosomal Recessive and X-Linked Classification Criteria (2023). Collection method: clinical testing. Allele origin: unknown.
Comment: This variant is considered benign. This variant is a silent/synonymous amino acid change and it is not expected to impact splicing.